The following is an entry in ClinVar:

ClinVar aggregate classification (germline): Uncertain significance (1 of 4 stars; one submission).

gnomAD v4.1: 1 of 1,614,070 alleles (0.000062%); highest among the groups gnomAD compares: African/African-American, 0.0013%; no homozygotes.

Submission:

Labcorp Genetics (formerly Invitae), Labcorp
Classification: Uncertain significance. Last evaluated: 2024-03-17. Review status: criteria provided, single submitter. Criteria: Invitae Variant Classification Sherloc (09022015). Collection method: clinical testing. Allele origin: germline.
Comment: This sequence change falls in intron 4 of the C1S gene. It does not directly change the encoded amino acid sequence of the C1S protein. This variant is not present in population databases (gnomAD no frequency). This variant has not been reported in the literature in individuals affected with C1S-related conditions. Algorithms developed to predict the effect of sequence changes on RNA splicing suggest that this variant may create or strengthen a splice site. In summary, the available evidence is currently insufficient to determine the role of this variant in disease. Therefore, it has been classified as a Variant of Uncertain Significance.

NM_001734.5(C1S):c.392-5T>C

Gene: C1S (complement C1s; plus strand). Cytogenetic location: 12p13.31.
Variant type: single nucleotide variant.
Coding change: c.392-5T>C on transcript NM_001734.5 (MANE Select); 5 bases into the intron before coding-DNA position 392, T replaced by C.
Molecular consequence: intron variant.
Genome position (GRCh38, 1-based): chr12:7,064,262, T>C. VCF-style: chr12-7064262-T-C. GRCh37 (hg19) VCF-style: chr12-7171566-T-C.
Other names: c.392-5T>C (NM_201442.4); c.-110-5T>C (NM_001346850.2).
Identifiers: ClinVar variation 3684752 (VCV003684752.2).
Genomic context (GRCh38, chr12:7,064,262, plus strand): 5'-GATTTAACCTCATTCTCCCTTCTTGGTGTTTGTTCTTGACCTCAGCCTCTTTCTACTCTT[T>C]GTAGACATAAATGAATGCACAGATTTTGTAGATGTCCCTTGTAGCCACTTCTGCAACAAT-3'